The following is an entry in ClinVar:

NM_001162501.2(TNRC6B):c.5007G>T (p.Met1669Ile)

Gene: TNRC6B (trinucleotide repeat containing adaptor 6B; plus strand). Cytogenetic location: 22q13.1.
Variant type: single nucleotide variant.
Coding change: c.5007G>T on transcript NM_001162501.2 (MANE Select); coding-DNA position 5007, G replaced by T.
Protein change: p.Met1669Ile; replaces methionine 1669 with isoleucine.
Molecular consequence: missense variant.
Genome position (GRCh38, 1-based): chr22:40,321,122, G>T. VCF-style: chr22-40321122-G-T. GRCh37 (hg19) VCF-style: chr22-40717126-G-T.
Other names: c.2595G>T, p.Met865Ile (NM_001024843.2); c.4677G>T, p.Met1559Ile (NM_015088.3); short protein forms M1559I, M1669I, M865I.
Identifiers: ClinVar variation 3368225 (VCV003368225.2).
Genomic context (GRCh38, chr22:40,321,122, plus strand): 5'-TTATCTCATGAATGTCATTACTCCTTAGATTGATGGGTCAACCTTGAGAACGATCTGCAT[G>T]CAGCATGGCCCACTGCTGACATTCCATCTGAATCTAACCCAGGGCACTGCCCTGATCCGA-3'
Protein context (NP_001155973.1, residues 1659-1679): IDGSTLRTIC[Met1669Ile]QHGPLLTFHL

ClinVar aggregate classification (germline): Uncertain significance (1 of 4 stars; one submission).

Submission:

GeneDx
Classification: Uncertain significance. Last evaluated: 2026-08-21. Review status: criteria provided, single submitter. Criteria: GeneDx Variant Classification Process June 2021. Collection method: clinical testing. Allele origin: germline.
Comment: Not observed at significant frequency in large population cohorts (gnomAD); In silico analysis supports that this missense variant has a deleterious effect on protein structure/function; Has not been previously published as pathogenic or benign to our knowledge